The following is an entry in ClinVar:

NM_001256071.3(RNF213):c.6615C>T (p.Cys2205=)

Gene: RNF213 (ring finger protein 213; plus strand). Cytogenetic location: 17q25.3.
Variant type: single nucleotide variant.
Coding change: c.6615C>T on transcript NM_001256071.3 (MANE Select); coding-DNA position 6615, C replaced by T.
Protein change: p.Cys2205=; no amino-acid change (cysteine 2205 retained).
Molecular consequence: synonymous variant.
Genome position (GRCh38, 1-based): chr17:80,344,950, C>T. VCF-style: chr17-80344950-C-T. GRCh37 (hg19) VCF-style: chr17-78318750-C-T.
Other names: c.6615C>T (NM_001256071.2); c.6762C>T, p.Cys2254= (NM_001410195.1, NM_020914.5).
Identifiers: ClinVar variation 2886051 (VCV002886051.4), dbSNP rs373551760, ClinGen allele CA8820583.
Genomic context (GRCh38, chr17:80,344,950, plus strand): 5'-TCAAGAAGGCTCTGTCGAAGGCACCCCGGAGGAATGCCTCCAGCATTTCCTGTTTCACTG[C>T]GGGGTAATAAACCCATCCTGGTCAGAGCTTCGGAACTTTGCTCGGTTCCTGAATTATCAG-3'
Protein context (NP_001243000.2, residues 2195-2215): EECLQHFLFH[Cys2205=]GVINPSWSEL

ClinVar aggregate classification (germline): Likely benign. Review status: criteria provided, multiple submitters, no conflicts (2 of 4 stars). 2 submissions from 2 submitters: Likely benign (2). Last evaluated 2025-04-07.

Conditions:
RNF213-related disorder. Also called: RNF213-related condition.

Allele frequency attached by ClinVar (database versions not stated): ExAC 0.00001; TOPMed 0.00003; gnomAD 0.00005; ESP Exome Variant Server 0.00008.
gnomAD v4.1: 39 of 1,614,026 alleles (0.0024%); highest among the groups gnomAD compares: East Asian, 0.0089%; no homozygotes.

Submissions (2):

Labcorp Genetics (formerly Invitae), Labcorp
Classification: Likely benign. Last evaluated: 2025-04-07. Review status: criteria provided, single submitter. Criteria: Invitae Variant Classification Sherloc (09022015). Collection method: clinical testing. Allele origin: germline.

PreventionGenetics, part of Exact Sciences
Classification: Likely benign for RNF213-related condition. Last evaluated: 2024-10-29. Review status: criteria provided, single submitter. Criteria: ACMG Guidelines, 2015. Collection method: clinical testing. Allele origin: germline.
Comment: This variant is classified as likely benign based on ACMG/AMP sequence variant interpretation guidelines (Richards et al. 2015 PMID: 25741868, with internal and published modifications).